The following is an entry in ClinVar:

ClinVar aggregate classification (germline): Uncertain significance (1 of 4 stars; one submission).

Submission:

GeneDx
Classification: Uncertain significance. Last evaluated: 2024-09-20. Review status: criteria provided, single submitter. Criteria: GeneDx Variant Classification Process June 2021. Collection method: clinical testing. Allele origin: germline. Affected: yes.
Comment: Has not been previously published as pathogenic or benign to our knowledge; Not observed at significant frequency in large population cohorts (gnomAD); In silico analysis supports that this missense variant has a deleterious effect on protein structure/function

NM_000827.4(GRIA1):c.1582G>C (p.Val528Leu)

Gene: GRIA1 (glutamate ionotropic receptor AMPA type subunit 1; plus strand). Cytogenetic location: 5q33.2.
Variant type: single nucleotide variant.
Coding change: c.1582G>C on transcript NM_000827.4 (MANE Select); coding-DNA position 1582, G replaced by C.
Protein change: p.Val528Leu; replaces valine 528 with leucine.
Molecular consequence: missense variant. On other transcripts: non-coding transcript variant (2).
Genome position (GRCh38, 1-based): chr5:153,705,826, G>C. VCF-style: chr5-153705826-G-C. GRCh37 (hg19) VCF-style: chr5-153085386-G-C.
Other names: c.1582G>C, p.Val528Leu (NM_001114183.2); c.1342G>C, p.Val448Leu (NM_001258019.2); c.1297G>C, p.Val433Leu (NM_001258020.2); c.1612G>C, p.Val538Leu (NM_001258021.2, NM_001258022.2); c.1375G>C, p.Val459Leu (NM_001258023.1, NM_001364167.2); c.1414G>C, p.Val472Leu (NM_001364165.2); c.1609G>C, p.Val537Leu (NM_001364166.2); short protein forms V433L, V448L, V459L, V472L, V528L, V537L, V538L.
Identifiers: ClinVar variation 3774171 (VCV003774171.1).